The following is an entry in ClinVar:

NM_001194998.2(CEP152):c.2563-206T>G

Gene: CEP152 (centrosomal protein 152; minus strand). Cytogenetic location: 15q21.1.
Variant type: single nucleotide variant.
Coding change: c.2563-206T>G on transcript NM_001194998.2 (MANE Select); 206 bases into the intron before coding-DNA position 2563, T replaced by G.
Molecular consequence: intron variant.
Genome position (GRCh38, 1-based): chr15:48,760,472, A>C on the plus strand (T>G on the coding strand, the complement: CEP152 is on the minus strand). VCF-style: chr15-48760472-A-C. GRCh37 (hg19) VCF-style: chr15-49052669-A-C.
Other names: c.2563-206T>G (NM_014985.4).
Identifiers: ClinVar variation 678329 (VCV000678329.1), dbSNP rs12442921, ClinGen allele CA14183571.

ClinVar aggregate classification (germline): Benign (1 of 4 stars; one submission).

Allele frequency attached by ClinVar (database versions not stated): gnomAD 0.31357 and 0.31516; TOPMed 0.34584; 1000 Genomes Project 0.44629; 1000 Genomes Project 30x 0.44956.
gnomAD v4.1: 47,735 of 152,046 alleles (31%); highest among the groups gnomAD compares: East Asian, 63%; 10,131 homozygotes.

Submission:

GeneDx
Classification: Benign. Last evaluated: 2018-06-16. Review status: criteria provided, single submitter. Criteria: GeneDx Variant Classification (06012015). Collection method: clinical testing. Allele origin: germline. Affected: yes.
Comment: This variant is considered likely benign or benign based on one or more of the following criteria: it is a conservative change, it occurs at a poorly conserved position in the protein, it is predicted to be benign by multiple in silico algorithms, and/or has population frequency not consistent with disease.